The following is an entry in ClinVar:

ClinVar aggregate classification (germline): Uncertain significance (1 of 4 stars; one submission).

gnomAD v4.1: 3 of 1,614,192 alleles (0.00019%); highest among the groups gnomAD compares: Non-Finnish European, 0.00025%; no homozygotes.

Submission:

Labcorp Genetics (formerly Invitae), Labcorp
Classification: Uncertain significance. Last evaluated: 2025-07-15. Review status: criteria provided, single submitter. Criteria: Invitae Variant Classification Sherloc (09022015). Collection method: clinical testing. Allele origin: germline.
Comment: This sequence change replaces arginine, which is basic and polar, with serine, which is neutral and polar, at codon 1171 of the ASXL1 protein (p.Arg1171Ser). This variant is not present in population databases (gnomAD no frequency). This variant has not been reported in the literature in individuals affected with ASXL1-related conditions. ClinVar contains an entry for this variant (Variation ID: 3616258). An algorithm developed to predict the effect of missense changes on protein structure and function (PolyPhen-2) suggests that this variant is likely to be tolerated. In summary, the available evidence is currently insufficient to determine the role of this variant in disease. Therefore, it has been classified as a Variant of Uncertain Significance.

NM_015338.6(ASXL1):c.3513G>C (p.Arg1171Ser)

Gene: ASXL1 (ASXL transcriptional regulator 1; plus strand). Cytogenetic location: 20q11.21.
Variant type: single nucleotide variant.
Coding change: c.3513G>C on transcript NM_015338.6 (MANE Select); coding-DNA position 3513, G replaced by C.
Protein change: p.Arg1171Ser; replaces arginine 1171 with serine.
Molecular consequence: missense variant.
Genome position (GRCh38, 1-based): chr20:32,436,225, G>C. VCF-style: chr20-32436225-G-C. GRCh37 (hg19) VCF-style: chr20-31024028-G-C.
Other names: c.3330G>C, p.Arg1110Ser (NM_001363734.1); short protein forms R1110S, R1171S.
Identifiers: ClinVar variation 3616258 (VCV003616258.2).
Genomic context (GRCh38, chr20:32,436,225, plus strand): 5'-TTTACATGGTCTTGGAAAAAACAGTGGCATGGTTGATGGAAGCAGCCCCAGTTCTTTAAG[G>C]GCTTTGAAGGAGCCTCTTCTGCCAGATAGCTGTGAAACAGGCACTGGTCTTGCCAGGATT-3'
Protein context (NP_056153.2, residues 1161-1181): MVDGSSPSSL[Arg1171Ser]ALKEPLLPDS